The following is an entry in ClinVar:

NM_003072.5(SMARCA4):c.194C>T (p.Pro65Leu)

Gene: SMARCA4 (SWI/SNF related BAF chromatin remodeling complex subunit ATPase 4; plus strand). Cytogenetic location: 19p13.2.
Variant type: single nucleotide variant.
Coding change: c.194C>T on transcript NM_003072.5 (MANE Select); coding-DNA position 194, C replaced by T.
Protein change: p.Pro65Leu; replaces proline 65 with leucine.
Molecular consequence: missense variant. On other transcripts: non-coding transcript variant (1).
Genome position (GRCh38, 1-based): chr19:10,984,345, C>T. VCF-style: chr19-10984345-C-T. GRCh37 (hg19) VCF-style: chr19-11095021-C-T.
Other names: c.194C>T, p.Pro65Leu (NM_001128844.3, NM_001128845.2, NM_001128846.2 and 5 more transcripts); short protein forms P65L.
Identifiers: ClinVar variation 576098 (VCV000576098.10), dbSNP rs1568417564, ClinGen allele CA404054622.

ClinVar aggregate classification (germline): Uncertain significance (1 of 4 stars; one submission).

Conditions:
Rhabdoid tumor predisposition syndrome 2 (RTPS2). Identifiers: Orphanet 231108, Orphanet 69077, MedGen C2750074, MONDO:0013224, OMIM 613325.

Submission:

Labcorp Genetics (formerly Invitae), Labcorp
Classification: Uncertain significance for Rhabdoid tumor predisposition syndrome 2. Last evaluated: 2022-04-22. Review status: criteria provided, single submitter. Criteria: Invitae Variant Classification Sherloc (09022015). Collection method: clinical testing. Allele origin: germline.
Comment: Algorithms developed to predict the effect of missense changes on protein structure and function are either unavailable or do not agree on the potential impact of this missense change (SIFT: "Deleterious"; PolyPhen-2: "Benign"; Align-GVGD: "Class C25"). In summary, the available evidence is currently insufficient to determine the role of this variant in disease. Therefore, it has been classified as a Variant of Uncertain Significance. ClinVar contains an entry for this variant (Variation ID: 576098). This variant has not been reported in the literature in individuals affected with SMARCA4-related conditions. This variant is not present in population databases (gnomAD no frequency). This sequence change replaces proline, which is neutral and non-polar, with leucine, which is neutral and non-polar, at codon 65 of the SMARCA4 protein (p.Pro65Leu).